The following is an entry in ClinVar:

NM_001365536.1(SCN9A):c.2874+4T>C

Genes: SCN1A-AS1 (SCN1A and SCN9A antisense RNA 1; plus strand), SCN9A (sodium voltage-gated channel alpha subunit 9; minus strand). Cytogenetic location: 2q24.3.
Variant type: single nucleotide variant.
Coding change: c.2874+4T>C on transcript NM_001365536.1 (MANE Select); 4 bases into the intron after coding-DNA position 2874, T replaced by C.
Molecular consequence: intron variant.
Genome position (GRCh38, 1-based): chr2:166,276,979, A>G on the plus strand (T>C on the coding strand, the complement: SCN9A is on the minus strand). VCF-style: chr2-166276979-A-G. GRCh37 (hg19) VCF-style: chr2-167133489-A-G.
Other names: c.2841+4T>C (NM_002977.4).
Identifiers: ClinVar variation 597346 (VCV000597346.14), dbSNP rs372584040, ClinGen allele CA1944190.

ClinVar aggregate classification (germline): Uncertain significance. Review status: criteria provided, multiple submitters, no conflicts (2 of 4 stars). 3 submissions from 3 submitters: Uncertain significance (3). Last evaluated 2025-03-19.

Conditions:
Neuropathy, hereditary sensory and autonomic, type 2A (HSAN2A). Also called: HSAN IIA; NEUROPATHY, CONGENITAL SENSORY; NEUROPATHY, HEREDITARY SENSORY RADICULAR, AUTOSOMAL RECESSIVE; NEUROPATHY, HEREDITARY SENSORY, TYPE IIA; NEUROPATHY, PROGRESSIVE SENSORY, OF CHILDREN; WNK1-Related HSAN2 (HSAN2A). Identifiers: Orphanet 970, MedGen C2752089, MONDO:0024309, OMIM 201300.
Generalized epilepsy with febrile seizures plus, type 7 (GEFSP7). Also called: GEFS+, TYPE 7. Identifiers: Orphanet 36387, MedGen C2751778, MONDO:0013470, OMIM 613863.
Inborn genetic diseases. Identifiers: MedGen C0950123, MeSH D030342.

Allele frequency attached by ClinVar (database versions not stated): ExAC 0.00001; gnomAD exomes 0.00001 and 0.00004; gnomAD 0.00002 and 0.00003; TOPMed 0.00005; ESP Exome Variant Server 0.00008.
gnomAD v4.1: 54 of 1,610,222 alleles (0.0034%); highest among the groups gnomAD compares: Non-Finnish European, 0.0042%; no homozygotes.

Submissions (3):

Labcorp Genetics (formerly Invitae), Labcorp
Classification: Uncertain significance for Neuropathy, hereditary sensory and autonomic, type 2A; Generalized epilepsy with febrile seizures plus, type 7. Last evaluated: 2025-03-19. Review status: criteria provided, single submitter. Criteria: Invitae Variant Classification Sherloc (09022015). Collection method: clinical testing. Allele origin: germline.
Comment: This sequence change falls in intron 16 of the SCN9A gene. It does not directly change the encoded amino acid sequence of the SCN9A protein. It affects a nucleotide within the consensus splice site. This variant is present in population databases (rs372584040, gnomAD 0.002%). This variant has not been reported in the literature in individuals affected with SCN9A-related conditions. ClinVar contains an entry for this variant (Variation ID: 597346). Variants that disrupt the consensus splice site are a relatively common cause of aberrant splicing (PMID: 17576681, 9536098). Algorithms developed to predict the effect of sequence changes on RNA splicing suggest that this variant is not likely to affect RNA splicing. In summary, the available evidence is currently insufficient to determine the role of this variant in disease. Therefore, it has been classified as a Variant of Uncertain Significance.

Ambry Genetics
Classification: Uncertain significance for Inborn genetic diseases. Last evaluated: 2021-06-07. Review status: criteria provided, single submitter. Criteria: Ambry Variant Classification Scheme 2023. Collection method: clinical testing. Allele origin: germline.
Comment: The c.2841+4T>C intronic variant results from a T to C substitution 4 nucleotides after coding exon 15 in the SCN9A gene. This nucleotide position is not well conserved in available vertebrate species. In silico splice site analysis predicts that this alteration will not have any significant effect on splicing. Since supporting evidence is limited at this time, the clinical significance of this alteration remains unclear.

Eurofins Ntd Llc (ga)
Classification: Uncertain significance. Last evaluated: 2018-06-12. Review status: criteria provided, single submitter. Criteria: EGL ClinVar v180209 classification definitions. Collection method: clinical testing. Allele origin: germline. Observed: 1 variant allele, 1 heterozygote.

Literature cited by the submitters: PubMed 17576681 (cited by Labcorp Genetics (formerly Invitae), Labcorp); PubMed 9536098 (cited by Labcorp Genetics (formerly Invitae), Labcorp).